The following is an entry in ClinVar:

NM_033380.3(COL4A5):c.465+1G>A

Gene: COL4A5 (collagen type IV alpha 5 chain; plus strand). Cytogenetic location: Xq22.3.
Variant type: single nucleotide variant.
Coding change: c.465+1G>A on transcript NM_033380.3 (MANE Select); the canonical splice donor site of the intron after coding-DNA position 465, G replaced by A.
Molecular consequence: splice donor variant.
Genome position (GRCh38, 1-based): chrX:108,571,838, G>A. VCF-style: chrX-108571838-G-A. GRCh37 (hg19) VCF-style: chrX-107815068-G-A.
Other names: c.465+1G>A (NM_000495.5).
Identifiers: ClinVar variation 974468 (VCV000974468.9), dbSNP rs2066070056, ClinGen allele CA413920571.
Genomic context (GRCh38, chrX:108,571,838, plus strand): 5'-ATATAAAATAATCCCTTTTCTTTTTAATAATAGGGACCCCCTGGGATCCCAGGTATGAAG[G>A]TAAGCATCTCATTCTGGGGAACAAATGTTTTGAATAAAATATTAGGAAAGCTGGCAACTT-3'

ClinVar aggregate classification (germline): Pathogenic. Review status: criteria provided, multiple submitters, no conflicts (2 of 4 stars). 4 submissions from 4 submitters: Pathogenic (4). Last evaluated 2026-07-08.

Conditions:
X-linked Alport syndrome (ATS1). Also called: NEPHROPATHY AND DEAFNESS, X-LINKED; COL4A5-Related Nephropathy. Identifiers: Orphanet 63, Orphanet 88917, MedGen C4746986, MONDO:0010520, OMIM 301050.
Hematuria. Identifiers: MedGen C0018965, HP:0000790.

Submissions (4):

Genetics Laboratory, Great Ormond Street Hospital NHS Foundation Trust, North Thames Genomic Laboratory Hub
Classification: Pathogenic for Haematuria. Last evaluated: 2026-07-08. Review status: criteria provided, single submitter. Criteria: ACGS Best Practice Guidelines for Variant Classification in Rare Disease 2024 v1.2. Collection method: clinical testing. Allele origin: germline. Affected: yes.
Comment: PS4_supporting, PM2_supporting, PVS1_strong

Labcorp Genetics (formerly Invitae), Labcorp
Classification: Pathogenic. Last evaluated: 2021-11-04. Review status: criteria provided, single submitter. Criteria: Invitae Variant Classification Sherloc (09022015). Collection method: clinical testing. Allele origin: germline.
Comment: This sequence change affects a donor splice site in intron 8 of the COL4A5 gene. It is expected to disrupt RNA splicing. Variants that disrupt the donor or acceptor splice site typically lead to a loss of protein function (PMID: 16199547), and loss-of-function variants in COL4A5 are known to be pathogenic (PMID: 9195222, 10752524, 14514738, 24854265, 26809805). This variant is not present in population databases (gnomAD no frequency). Disruption of this splice site has been observed in individuals with Alport syndrome (PMID: 33532864; Invitae). ClinVar contains an entry for this variant (Variation ID: 974468). Algorithms developed to predict the effect of sequence changes on RNA splicing suggest that this variant may disrupt the consensus splice site. For these reasons, this variant has been classified as Pathogenic.

Fulgent Genetics
Classification: Pathogenic for X-linked Alport syndrome. Last evaluated: 2021-08-31. Review status: criteria provided, single submitter. Criteria: ACMG Guidelines, 2015. Collection method: clinical testing. Allele origin: unknown.

Molecular Biology Laboratory, Fundació Puigvert
Classification: Pathogenic for X-linked Alport syndrome. Last evaluated: 2020-02-01. Review status: criteria provided, single submitter. Criteria: ACMG Guidelines, 2015. Collection method: research. Allele origin: germline. Affected: yes. Study: KidneyPanel_2020.

Literature cited by the submitters: PubMed 16199547 (cited by Labcorp Genetics (formerly Invitae), Labcorp); PubMed 9195222 (cited by Labcorp Genetics (formerly Invitae), Labcorp); PubMed 10752524 (cited by Labcorp Genetics (formerly Invitae), Labcorp); PubMed 14514738 (cited by Labcorp Genetics (formerly Invitae), Labcorp); PubMed 24854265 (cited by Labcorp Genetics (formerly Invitae), Labcorp); PubMed 26809805 (cited by Labcorp Genetics (formerly Invitae), Labcorp); PubMed 33532864 (cited by Labcorp Genetics (formerly Invitae), Labcorp and Molecular Biology Laboratory, Fundació Puigvert).